The following is an entry in ClinVar:

ClinVar aggregate classification (germline): Uncertain significance (1 of 4 stars; one submission).

gnomAD v4.1: 1 of 1,581,388 alleles (0.000063%); highest among the groups gnomAD compares: African/African-American, 0.0013%; no homozygotes.

Submission:

Labcorp Genetics (formerly Invitae), Labcorp
Classification: Uncertain significance. Last evaluated: 2024-06-12. Review status: criteria provided, single submitter. Criteria: Invitae Variant Classification Sherloc (09022015). Collection method: clinical testing. Allele origin: germline.
Comment: This sequence change replaces lysine, which is basic and polar, with glutamic acid, which is acidic and polar, at codon 1474 of the ALPK3 protein (p.Lys1474Glu). This variant is not present in population databases (gnomAD no frequency). This variant has not been reported in the literature in individuals affected with ALPK3-related conditions. Advanced modeling of protein sequence and biophysical properties (such as structural, functional, and spatial information, amino acid conservation, physicochemical variation, residue mobility, and thermodynamic stability) performed at Invitae indicates that this missense variant is expected to disrupt ALPK3 protein function with a positive predictive value of 80%. In summary, the available evidence is currently insufficient to determine the role of this variant in disease. Therefore, it has been classified as a Variant of Uncertain Significance.

NM_020778.5(ALPK3):c.3814A>G (p.Lys1272Glu)

Gene: ALPK3 (alpha kinase 3; plus strand). Cytogenetic location: 15q25.3.
Variant type: single nucleotide variant.
Coding change: c.3814A>G on transcript NM_020778.5 (MANE Select); coding-DNA position 3814, A replaced by G.
Protein change: p.Lys1272Glu; replaces lysine 1272 with glutamic acid.
Molecular consequence: missense variant.
Genome position (GRCh38, 1-based): chr15:84,858,552, A>G. VCF-style: chr15-84858552-A-G. GRCh37 (hg19) VCF-style: chr15-85401783-A-G.
Other names: short protein forms K1272E.
Identifiers: ClinVar variation 3656430 (VCV003656430.2).